The following is an entry in ClinVar:

ClinVar aggregate classification (germline): Conflicting classifications of pathogenicity. Review status: criteria provided, conflicting classifications (1 of 4 stars). 3 submissions from 3 submitters: Uncertain significance (2); Likely benign (1). Last evaluated 2024-08-30.

Conditions:
Hereditary cancer-predisposing syndrome. Also called: Hereditary Cancer Syndrome; Neoplastic Syndromes, Hereditary; Tumor predisposition; Hereditary neoplastic syndrome. Identifiers: Orphanet 140162, MedGen C0027672, MeSH D009386, MONDO:0015356.
Microcephaly, normal intelligence and immunodeficiency (NBS). Also called: BERLIN BREAKAGE SYNDROME; Ataxia telangiectasia variant V1; IMMUNODEFICIENCY, MICROCEPHALY, AND CHROMOSOMAL INSTABILITY; SEEMANOVA SYNDROME II; Nijmegen breakage syndrome; Microcephaly with normal intelligence immunodeficiency and lymphoreticular malignancies. Identifiers: Orphanet 647, MedGen C0398791, MONDO:0009623, OMIM 251260.

Allele frequency attached by ClinVar (database versions not stated): gnomAD exomes below 0.00001.
gnomAD v4.1: 2 of 1,613,980 alleles (0.00012%); highest among the groups gnomAD compares: African/African-American, 0.0027%; no homozygotes.

Submissions (3):

Labcorp Genetics (formerly Invitae), Labcorp
Classification: Uncertain significance for Microcephaly, normal intelligence and immunodeficiency. Last evaluated: 2024-08-30. Review status: criteria provided, single submitter. Criteria: Invitae Variant Classification Sherloc (09022015). Collection method: clinical testing. Allele origin: germline.
Comment: This sequence change replaces asparagine, which is neutral and polar, with aspartic acid, which is acidic and polar, at codon 37 of the NBN protein (p.Asn37Asp). This variant is not present in population databases (gnomAD no frequency). This variant has not been reported in the literature in individuals affected with NBN-related conditions. ClinVar contains an entry for this variant (Variation ID: 230140). An algorithm developed to predict the effect of missense changes on protein structure and function outputs the following: PolyPhen-2: "Benign". The aspartic acid amino acid residue is found in multiple mammalian species, which suggests that this missense change does not adversely affect protein function. In summary, the available evidence is currently insufficient to determine the role of this variant in disease. Therefore, it has been classified as a Variant of Uncertain Significance.

Genome-Nilou Lab
Classification: Uncertain significance for Microcephaly, normal intelligence and immunodeficiency. Last evaluated: 2021-11-07. Review status: criteria provided, single submitter. Criteria: ACMG Guidelines, 2015. Collection method: clinical testing. Allele origin: germline. Affected: no.

Ambry Genetics
Classification: Likely benign for Hereditary cancer-predisposing syndrome. Last evaluated: 2019-03-13. Review status: criteria provided, single submitter. Criteria: Ambry Variant Classification Scheme 2023. Collection method: clinical testing. Allele origin: germline.

NM_002485.5(NBN):c.109A>G (p.Asn37Asp)

Gene: NBN (nibrin; minus strand). Cytogenetic location: 8q21.3.
Variant type: single nucleotide variant.
Coding change: c.109A>G on transcript NM_002485.5 (MANE Select); coding-DNA position 109, A replaced by G.
Protein change: p.Asn37Asp; replaces asparagine 37 with aspartic acid.
Molecular consequence: missense variant. On other transcripts: 5 prime UTR variant (1).
Genome position (GRCh38, 1-based): chr8:89,982,784, T>C on the plus strand (A>G on the coding strand, the complement: NBN is on the minus strand). VCF-style: chr8-89982784-T-C. GRCh37 (hg19) VCF-style: chr8-90995012-T-C.
Other names: c.-188A>G (NM_001024688.3); short protein forms N37D.
Identifiers: ClinVar variation 230140 (VCV000230140.14), dbSNP rs876658411, ClinGen allele CA10578814.